The following is an entry in ClinVar:

NM_198904.4(GABRG2):c.1025G>A (p.Cys342Tyr)

Gene: GABRG2 (gamma-aminobutyric acid type A receptor subunit gamma2; plus strand). Cytogenetic location: 5q34.
Variant type: single nucleotide variant.
Coding change: c.1025G>A on transcript NM_198904.4 (MANE Select); coding-DNA position 1025, G replaced by A.
Protein change: p.Cys342Tyr; replaces cysteine 342 with tyrosine.
Molecular consequence: missense variant. On other transcripts: intron variant (1).
Genome position (GRCh38, 1-based): chr5:162,149,210, G>A. VCF-style: chr5-162149210-G-A. GRCh37 (hg19) VCF-style: chr5-161576216-G-A.
Other names: c.1025G>A, p.Cys342Tyr (NM_000816.3); c.1016G>A, p.Cys339Tyr (NM_001375339.1); c.1022G>A, p.Cys341Tyr (NM_001375341.1, NM_001375342.1); c.1145G>A, p.Cys382Tyr (NM_001375343.1, NM_198903.2); c.1064G>A, p.Cys355Tyr (NM_001375344.1); c.959G>A, p.Cys320Tyr (NM_001375345.1, NM_001375346.1); c.938G>A, p.Cys313Tyr (NM_001375347.1); c.605G>A, p.Cys202Tyr (NM_001375348.1, NM_001375350.1); and 2 more; short protein forms C320Y, C342Y, C247Y, C339Y, C382Y, C202Y, C355Y, C313Y.
Identifiers: ClinVar variation 1367524 (VCV001367524.10), dbSNP rs2113633149, ClinGen allele CA362182510.

ClinVar aggregate classification (germline): Conflicting classifications of pathogenicity. Review status: criteria provided, conflicting classifications (1 of 4 stars). 2 submissions from 2 submitters: Likely pathogenic (1); Uncertain significance (1). Last evaluated 2024-01-08.

Conditions:
Seizure. Also called: Seizures. Identifiers: MedGen C0036572, HP:0001250.
Febrile seizures, familial, 8 (FEB8). Also called: CONVULSIONS, FAMILIAL FEBRILE, 8. Identifiers: Orphanet 36387, MedGen C1969810, MONDO:0011891, OMIM 607681.
EPILEPSY, CHILDHOOD ABSENCE, SUSCEPTIBILITY TO, 2 (ECA2). Identifiers: Orphanet 64280, MedGen C1843244, OMIM 607681.

Submissions (2):

Labcorp Genetics (formerly Invitae), Labcorp
Classification: Uncertain significance for Febrile seizures, familial, 8; EPILEPSY, CHILDHOOD ABSENCE, SUSCEPTIBILITY TO, 2. Last evaluated: 2024-01-08. Review status: criteria provided, single submitter. Criteria: Invitae Variant Classification Sherloc (09022015). Collection method: clinical testing. Allele origin: germline.
Comment: This sequence change replaces cysteine, which is neutral and slightly polar, with tyrosine, which is neutral and polar, at codon 342 of the GABRG2 protein (p.Cys342Tyr). This variant is not present in population databases (gnomAD no frequency). This variant has not been reported in the literature in individuals affected with GABRG2-related conditions. ClinVar contains an entry for this variant (Variation ID: 1367524). Advanced modeling of protein sequence and biophysical properties (such as structural, functional, and spatial information, amino acid conservation, physicochemical variation, residue mobility, and thermodynamic stability) performed at Invitae indicates that this missense variant is expected to disrupt GABRG2 protein function with a positive predictive value of 95%. In summary, the available evidence is currently insufficient to determine the role of this variant in disease. Therefore, it has been classified as a Variant of Uncertain Significance.

Cytogénomique, Hospices Civils de Lyon
Classification: Likely pathogenic for Seizures. Last evaluated: 2023-11-27. Review status: criteria provided, single submitter. Criteria: ACMG Guidelines, 2015. Collection method: clinical testing. Allele origin: unknown. Affected: yes. Observed: 1 variant allele, 1 compound heterozygote.